The following is an entry in ClinVar:

ClinVar aggregate classification (germline): Uncertain significance. Review status: criteria provided, multiple submitters, no conflicts (2 of 4 stars). 2 submissions from 2 submitters: Uncertain significance (2). Last evaluated 2025-11-12.

Conditions:
Cleft lip/palate-ectodermal dysplasia syndrome (CLPED1). Also called: ECTODERMAL DYSPLASIA, CLEFT LIP AND PALATE, MENTAL RETARDATION, AND SYNDACTYLY; ECTODERMAL DYSPLASIA, MARGARITA ISLAND TYPE; ECTODERMAL DYSPLASIA, TYPE 4; ZLOTOGORA-OGUR SYNDROME; Zlotogora syndrome. Identifiers: Orphanet 3253, MedGen C2931488, MONDO:0009151, OMIM 225060.

Allele frequency attached by ClinVar (database versions not stated): gnomAD 0.00006 and 0.00007; ESP Exome Variant Server 0.00008; TOPMed 0.00008; ExAC 0.00010; gnomAD exomes 0.00013; 1000 Genomes Project 0.00020; 1000 Genomes Project 30x 0.00031.

Submissions (2):

Labcorp Genetics (formerly Invitae), Labcorp
Classification: Uncertain significance. Last evaluated: 2025-11-12. Review status: criteria provided, single submitter. Criteria: Invitae Variant Classification Sherloc (09022015). Collection method: clinical testing. Allele origin: germline.
Comment: This sequence change replaces methionine, which is neutral and non-polar, with isoleucine, which is neutral and non-polar, at codon 143 of the NECTIN1 protein (p.Met143Ile). This variant is present in population databases (rs371142221, gnomAD 0.03%). This variant has not been reported in the literature in individuals affected with NECTIN1-related conditions. ClinVar contains an entry for this variant (Variation ID: 877470). An algorithm developed to predict the effect of missense changes on protein structure and function (PolyPhen-2) suggests that this variant is likely to be tolerated. In summary, the available evidence is currently insufficient to determine the role of this variant in disease. Therefore, it has been classified as a Variant of Uncertain Significance.

Illumina Laboratory Services, Illumina
Classification: Uncertain significance for Cleft lip/palate-ectodermal dysplasia syndrome. Last evaluated: 2017-04-27. Review status: criteria provided, single submitter. Criteria: ICSL Variant Classification Criteria 13 December 2019. Collection method: clinical testing. Allele origin: germline.

NM_002855.5(NECTIN1):c.429G>A (p.Met143Ile)

Gene: NECTIN1 (nectin cell adhesion molecule 1; minus strand). Cytogenetic location: 11q23.3.
Variant type: single nucleotide variant.
Coding change: c.429G>A on transcript NM_002855.5 (MANE Select); coding-DNA position 429, G replaced by A.
Protein change: p.Met143Ile; replaces methionine 143 with isoleucine.
Molecular consequence: missense variant.
Genome position (GRCh38, 1-based): chr11:119,678,416, C>T on the plus strand (G>A on the coding strand, the complement: NECTIN1 is on the minus strand). VCF-style: chr11-119678416-C-T. GRCh37 (hg19) VCF-style: chr11-119549126-C-T.
Other names: c.429G>A, p.Met143Ile (NM_203285.2, NM_203286.2); short protein forms M143I.
Identifiers: ClinVar variation 877470 (VCV000877470.8), dbSNP rs371142221, ClinGen allele CA6322100.